The following is an entry in ClinVar:

NM_001134831.2(AHI1):c.2761C>T (p.His921Tyr)

Gene: AHI1 (Abelson helper integration site 1; minus strand). Cytogenetic location: 6q23.3.
Variant type: single nucleotide variant.
Coding change: c.2761C>T on transcript NM_001134831.2 (MANE Select); coding-DNA position 2761, C replaced by T.
Protein change: p.His921Tyr; replaces histidine 921 with tyrosine.
Molecular consequence: missense variant.
Genome position (GRCh38, 1-based): chr6:135,427,170, G>A on the plus strand (C>T on the coding strand, the complement: AHI1 is on the minus strand). VCF-style: chr6-135427170-G-A. GRCh37 (hg19) VCF-style: chr6-135748308-G-A.
Other names: c.2761C>T, p.His921Tyr (NM_001134830.2, NM_001134832.2, NM_001350503.2 and 2 more transcripts); short protein forms H921Y.
Identifiers: ClinVar variation 1038726 (VCV001038726.6), dbSNP rs367875262, ClinGen allele CA4012285.
Genomic context (GRCh38, chr6:135,427,170, plus strand): 5'-TAGTCTAAATGTAAAGGTTACTCTAAAAATTCTTTACTTATCAAGTGGTAGACTTACCAT[G>A]GAAATCGTAAATATACAGAAGAATTGGCTCATTTTGCCCAAATGCACAGAATGCAACCAT-3'
Protein context (NP_001128303.1, residues 911-931): EPILLYIYDF[His921Tyr]VAQQEAEMFK

ClinVar aggregate classification (germline): Uncertain significance. Review status: criteria provided, multiple submitters, no conflicts (2 of 4 stars). 3 submissions from 3 submitters: Uncertain significance (3). Last evaluated 2025-11-03.

Conditions:
Inborn genetic diseases. Identifiers: MedGen C0950123, MeSH D030342.
Joubert syndrome 3 (JBTS3). Also called: AHI1-related Ciliopathy. Identifiers: Orphanet 220493, MedGen C1837713, MONDO:0012078, OMIM 608629.
Joubert syndrome. Also called: Familial aplasia of the vermis; CEREBELLOPARENCHYMAL DISORDER IV; JOUBERT-BOLTSHAUSER SYNDROME. Identifiers: Orphanet 475, MedGen C5979921, MONDO:0018772.

Allele frequency attached by ClinVar (database versions not stated): gnomAD 0.00003; gnomAD exomes 0.00003; ExAC 0.00005; TOPMed 0.00005; ESP Exome Variant Server 0.00008.
gnomAD v4.1: 54 of 1,608,994 alleles (0.0034%); highest among the groups gnomAD compares: Non-Finnish European, 0.0032%; no homozygotes.

Submissions (3):

Ambry Genetics
Classification: Uncertain significance for Inborn genetic diseases. Last evaluated: 2025-11-03. Review status: criteria provided, single submitter. Criteria: Ambry Variant Classification Scheme 2023. Collection method: clinical testing. Allele origin: germline.

Labcorp Genetics (formerly Invitae), Labcorp
Classification: Uncertain significance for Joubert syndrome. Last evaluated: 2022-08-16. Review status: criteria provided, single submitter. Criteria: Invitae Variant Classification Sherloc (09022015). Collection method: clinical testing. Allele origin: germline.
Comment: This sequence change replaces histidine, which is basic and polar, with tyrosine, which is neutral and polar, at codon 921 of the AHI1 protein (p.His921Tyr). This variant is present in population databases (rs367875262, gnomAD 0.04%). This variant has not been reported in the literature in individuals affected with AHI1-related conditions. ClinVar contains an entry for this variant (Variation ID: 1038726). Advanced modeling of protein sequence and biophysical properties (such as structural, functional, and spatial information, amino acid conservation, physicochemical variation, residue mobility, and thermodynamic stability) performed at Invitae indicates that this missense variant is not expected to disrupt AHI1 protein function. In summary, the available evidence is currently insufficient to determine the role of this variant in disease. Therefore, it has been classified as a Variant of Uncertain Significance.

Fulgent Genetics
Classification: Uncertain significance for Joubert syndrome 3. Last evaluated: 2022-04-06. Review status: criteria provided, single submitter. Criteria: ACMG Guidelines, 2015. Collection method: clinical testing. Allele origin: unknown.